The following is an entry in ClinVar:

ClinVar aggregate classification (germline): Uncertain significance. Review status: criteria provided, multiple submitters, no conflicts (2 of 4 stars). 2 submissions from 2 submitters: Uncertain significance (2). Last evaluated 2024-02-17.

Conditions:
Giant axonal neuropathy 1 (GAN1). Also called: GAN-Related Neurodegeneration; GIANT AXONAL NEUROPATHY 1, AUTOSOMAL RECESSIVE. Identifiers: Orphanet 643, MedGen C1850386, MONDO:0009749, OMIM 256850.

Allele frequency attached by ClinVar (database versions not stated): gnomAD exomes below 0.00001 and 0.00001; ExAC 0.00001; gnomAD 0.00001; TOPMed 0.00002; ESP Exome Variant Server 0.00008.
gnomAD v4.1: 18 of 1,576,622 alleles (0.0011%); highest among the groups gnomAD compares: Non-Finnish European, 0.0016%; no homozygotes.

Submissions (2):

Labcorp Genetics (formerly Invitae), Labcorp
Classification: Uncertain significance for Giant axonal neuropathy 1. Last evaluated: 2024-02-17. Review status: criteria provided, single submitter. Criteria: Invitae Variant Classification Sherloc (09022015). Collection method: clinical testing. Allele origin: germline.
Comment: This sequence change falls in intron 10 of the GAN gene. It does not directly change the encoded amino acid sequence of the GAN protein. It affects a nucleotide within the consensus splice site. This variant is present in population databases (rs376218401, gnomAD 0.002%). This variant has not been reported in the literature in individuals affected with GAN-related conditions. ClinVar contains an entry for this variant (Variation ID: 863463). Variants that disrupt the consensus splice site are a relatively common cause of aberrant splicing (PMID: 17576681, 9536098). Algorithms developed to predict the effect of sequence changes on RNA splicing suggest that this variant is not likely to affect RNA splicing. In summary, the available evidence is currently insufficient to determine the role of this variant in disease. Therefore, it has been classified as a Variant of Uncertain Significance.

Illumina Laboratory Services, Illumina
Classification: Uncertain significance for Giant axonal neuropathy 1. Last evaluated: 2018-01-12. Review status: criteria provided, single submitter. Criteria: ICSL Variant Classification Criteria 13 December 2019. Collection method: clinical testing. Allele origin: germline.

Literature cited by the submitters: PubMed 17576681 (cited by Labcorp Genetics (formerly Invitae), Labcorp); PubMed 9536098 (cited by Labcorp Genetics (formerly Invitae), Labcorp).

NM_022041.4(GAN):c.1612+4A>G

Gene: GAN (gigaxonin; plus strand). Cytogenetic location: 16q23.2.
Variant type: single nucleotide variant.
Coding change: c.1612+4A>G on transcript NM_022041.4 (MANE Select); 4 bases into the intron after coding-DNA position 1612, A replaced by G.
Molecular consequence: intron variant.
Genome position (GRCh38, 1-based): chr16:81,377,332, A>G. VCF-style: chr16-81377332-A-G. GRCh37 (hg19) VCF-style: chr16-81410937-A-G.
Other names: c.973+4A>G (NM_001377486.1).
Identifiers: ClinVar variation 863463 (VCV000863463.10), dbSNP rs376218401, ClinGen allele CA8191820.